The following is an entry in ClinVar:

ClinVar aggregate classification (germline): Uncertain significance (1 of 4 stars; one submission).

Allele frequency attached by ClinVar (database versions not stated): gnomAD exomes below 0.00001; gnomAD 0.00001; TOPMed 0.00001.
gnomAD v4.1: 3 of 1,613,802 alleles (0.00019%); highest among the groups gnomAD compares: Non-Finnish European, 0.00025%; no homozygotes.

Submission:

Labcorp Genetics (formerly Invitae), Labcorp
Classification: Uncertain significance. Last evaluated: 2022-07-03. Review status: criteria provided, single submitter. Criteria: Invitae Variant Classification Sherloc (09022015). Collection method: clinical testing. Allele origin: germline.
Comment: This variant is not present in population databases (gnomAD no frequency). This sequence change replaces lysine, which is basic and polar, with glutamic acid, which is acidic and polar, at codon 603 of the KANK2 protein (p.Lys603Glu). This variant has not been reported in the literature in individuals affected with KANK2-related conditions. In summary, the available evidence is currently insufficient to determine the role of this variant in disease. Therefore, it has been classified as a Variant of Uncertain Significance. Algorithms developed to predict the effect of missense changes on protein structure and function are either unavailable or do not agree on the potential impact of this missense change (SIFT: "Tolerated"; PolyPhen-2: "Probably Damaging"; Align-GVGD: "Class C0").

NM_001136191.3(KANK2):c.1807A>G (p.Lys603Glu)

Gene: KANK2 (KN motif and ankyrin repeat domains 2; minus strand). Cytogenetic location: 19p13.2.
Variant type: single nucleotide variant.
Coding change: c.1807A>G on transcript NM_001136191.3 (MANE Select); coding-DNA position 1807, A replaced by G.
Protein change: p.Lys603Glu; replaces lysine 603 with glutamic acid.
Molecular consequence: missense variant.
Genome position (GRCh38, 1-based): chr19:11,175,943, T>C on the plus strand (A>G on the coding strand, the complement: KANK2 is on the minus strand). VCF-style: chr19-11175943-T-C. GRCh37 (hg19) VCF-style: chr19-11286619-T-C.
Other names: c.1831A>G, p.Lys611Glu (NM_015493.7, NM_001379548.1, NM_001379549.1 and 5 more transcripts); c.1807A>G, p.Lys603Glu (NM_001329451.2, NM_001379555.1, NM_001379556.1 and 7 more transcripts); short protein forms K611E, K603E.
Identifiers: ClinVar variation 1904921 (VCV001904921.5), dbSNP rs2078323675, ClinGen allele CA404081455.
Genomic context (GRCh38, chr19:11,175,943, plus strand): 5'-GCCCAGGGCCAGATCGTACCAGCTCCCGCTCTGTGAGGGCGTTGGGATTGTCCAGGTACT[T>C]TTCCAGGGCCAAGCAGGCTGAGATGAGGTCAGGGCTTAGCTCCATCCTGCCAGGAACAGA-3'
Protein context (NP_001129663.1, residues 593-613): DLISACLALE[Lys603Glu]YLDNPNALTE